The following is an entry in ClinVar:

ClinVar aggregate classification (germline): Uncertain significance. Review status: criteria provided, multiple submitters, no conflicts (2 of 4 stars). 5 submissions from 5 submitters: Uncertain significance (5). Last evaluated 2025-07-21.

Conditions:
Inborn genetic diseases. Identifiers: MedGen C0950123, MeSH D030342.
Neuropathy, hereditary sensory, type 2C. Also called: KIF1A-Related HSAN2 (HSAN2C); Hereditary sensory and autonomic neuropathy type IIC. Identifiers: Orphanet 970, MedGen C3280168, MONDO:0013634, OMIM 614213.
Hereditary spastic paraplegia 30. Identifiers: Orphanet 101010, MedGen C5235139, MONDO:0012476.
Intellectual disability, autosomal dominant 9 (NESCAVS). Also called: NESCAV SYNDROME; KIF1A-Related Neurodevelopmental Disorder. Identifiers: Orphanet 662367, MedGen C5393830, MONDO:0013656, OMIM 614255.

Allele frequency attached by ClinVar (database versions not stated): gnomAD 0.00001; gnomAD exomes 0.00001; TOPMed 0.00001; ExAC 0.00004.
gnomAD v4.1: 17 of 1,595,304 alleles (0.0011%); highest among the groups gnomAD compares: Non-Finnish European, 0.0015%; no homozygotes.

Submissions (5):

Labcorp Genetics (formerly Invitae), Labcorp
Classification: Uncertain significance for Hereditary spastic paraplegia 30; Neuropathy, hereditary sensory, type 2C; Intellectual disability, autosomal dominant 9. Last evaluated: 2025-07-21. Review status: criteria provided, single submitter. Criteria: Invitae Variant Classification Sherloc (09022015). Collection method: clinical testing. Allele origin: germline.
Comment: This sequence change falls in intron 37 of the KIF1A gene. It does not directly change the encoded amino acid sequence of the KIF1A protein. It affects a nucleotide within the consensus splice site. This variant is present in population databases (rs762550114, gnomAD 0.002%). This variant has not been reported in the literature in individuals affected with KIF1A-related conditions. ClinVar contains an entry for this variant (Variation ID: 1014545). Variants that disrupt the consensus splice site are a relatively common cause of aberrant splicing (PMID: 17576681, 9536098). Algorithms developed to predict the effect of sequence changes on RNA splicing suggest that this variant is not likely to affect RNA splicing. In summary, the available evidence is currently insufficient to determine the role of this variant in disease. Therefore, it has been classified as a Variant of Uncertain Significance.

Blueprint Genetics
Classification: Uncertain significance. Last evaluated: 2024-09-09. Review status: criteria provided, single submitter. Criteria: ACMG Guidelines, 2015. Collection method: clinical testing. Allele origin: germline.

Athena Diagnostics
Classification: Uncertain significance. Last evaluated: 2024-01-05. Review status: criteria provided, single submitter. Criteria: Athena Diagnostics Criteria. Collection method: clinical testing. Allele origin: unknown.

Genetics and Molecular Pathology, SA Pathology
Classification: Uncertain significance for Hereditary spastic paraplegia 30. Last evaluated: 2022-07-21. Review status: criteria provided, single submitter. Criteria: ACMG Guidelines, 2015. Collection method: clinical testing. Allele origin: germline. Affected: yes.

Ambry Genetics
Classification: Uncertain significance for Inborn genetic diseases. Last evaluated: 2021-08-02. Review status: criteria provided, single submitter. Criteria: Ambry Variant Classification Scheme 2023. Collection method: clinical testing. Allele origin: germline.
Comment: The c.4256+5G>A intronic variant results from a G to A substitution 5 nucleotides after coding exon 39 in the KIF1A gene. This nucleotide position is well conserved in available vertebrate species. In silico splice site analysis predicts that this alteration may result in the creation or strengthening of a novel splice donor site. Since supporting evidence is limited at this time, the clinical significance of this alteration remains unclear.

Literature cited by the submitters: PubMed 17576681 (cited by Labcorp Genetics (formerly Invitae), Labcorp); PubMed 9536098 (cited by Labcorp Genetics (formerly Invitae), Labcorp).

NM_001244008.2(KIF1A):c.4256+5G>A

Gene: KIF1A (kinesin family member 1A; minus strand). Cytogenetic location: 2q37.3.
Variant type: single nucleotide variant.
Coding change: c.4256+5G>A on transcript NM_001244008.2 (MANE Select); 5 bases into the intron after coding-DNA position 4256, G replaced by A.
Molecular consequence: intron variant.
Genome position (GRCh38, 1-based): chr2:240,725,266, C>T on the plus strand (G>A on the coding strand, the complement: KIF1A is on the minus strand). VCF-style: chr2-240725266-C-T. GRCh37 (hg19) VCF-style: chr2-241664683-C-T.
Other names: c.3953+5G>A (NM_001379653.1, NM_001379650.1, NM_001379641.1 and 2 more transcripts); c.4229+5G>A (NM_001379645.1, NM_001379633.1); c.4079+5G>A (NM_001379635.1, NM_001379646.1); c.3950+5G>A (NM_001379640.1); c.3977+5G>A (NM_001379639.1); c.3980+5G>A (NM_001379649.1, NM_001320705.2); c.4067+5G>A (NM_001379636.1); c.4232+5G>A (NM_001379632.1); and 7 more.
Identifiers: ClinVar variation 1014545 (VCV001014545.13), dbSNP rs762550114, ClinGen allele CA2207455.